The following is an entry in ClinVar:

NM_005529.7(HSPG2):c.12083G>A (p.Arg4028Gln)

Gene: HSPG2 (heparan sulfate proteoglycan 2; minus strand). Cytogenetic location: 1p36.12.
Variant type: single nucleotide variant.
Coding change: c.12083G>A on transcript NM_005529.7 (MANE Select); coding-DNA position 12083, G replaced by A.
Protein change: p.Arg4028Gln; replaces arginine 4028 with glutamine.
Molecular consequence: missense variant.
Genome position (GRCh38, 1-based): chr1:21,828,989, C>T on the plus strand (G>A on the coding strand, the complement: HSPG2 is on the minus strand). VCF-style: chr1-21828989-C-T. GRCh37 (hg19) VCF-style: chr1-22155482-C-T.
Other names: c.12086G>A, p.Arg4029Gln (NM_001291860.2); c.12083G>A (NM_005529.5); short protein forms R4028Q, R4029Q.
Identifiers: ClinVar variation 1057535 (VCV001057535.9), dbSNP rs369541804, ClinGen allele CA669524.

ClinVar aggregate classification (germline): Uncertain significance. Review status: criteria provided, multiple submitters, no conflicts (2 of 4 stars). 3 submissions from 3 submitters: Uncertain significance (3). Last evaluated 2025-08-29.

Conditions:
Inborn genetic diseases. Identifiers: MedGen C0950123, MeSH D030342.

Allele frequency attached by ClinVar (database versions not stated): gnomAD exomes 0.00006 and 0.00019; ESP Exome Variant Server 0.00015; gnomAD 0.00034; TOPMed 0.00035; ExAC 0.00059; 1000 Genomes Project 0.00120; 1000 Genomes Project 30x 0.00141.
gnomAD v4.1: 135 of 1,571,334 alleles (0.0086%); highest among the groups gnomAD compares: African/African-American, 0.084%; no homozygotes.

Submissions (3):

Ambry Genetics
Classification: Uncertain significance for Inborn genetic diseases. Last evaluated: 2025-08-29. Review status: criteria provided, single submitter. Criteria: Ambry Variant Classification Scheme 2023. Collection method: clinical testing. Allele origin: germline.

Labcorp Genetics (formerly Invitae), Labcorp
Classification: Uncertain significance. Last evaluated: 2023-07-17. Review status: criteria provided, single submitter. Criteria: Invitae Variant Classification Sherloc (09022015). Collection method: clinical testing. Allele origin: germline.
Comment: Algorithms developed to predict the effect of missense changes on protein structure and function output the following: SIFT: "Not Available"; PolyPhen-2: "Benign"; Align-GVGD: "Not Available". The glutamine amino acid residue is found in multiple mammalian species, which suggests that this missense change does not adversely affect protein function. This sequence change replaces arginine, which is basic and polar, with glutamine, which is neutral and polar, at codon 4028 of the HSPG2 protein (p.Arg4028Gln). This variant is present in population databases (rs369541804, gnomAD 0.09%). This variant has not been reported in the literature in individuals affected with HSPG2-related conditions. In summary, the available evidence is currently insufficient to determine the role of this variant in disease. Therefore, it has been classified as a Variant of Uncertain Significance.

Revvity Omics, Revvity
Classification: Uncertain significance. Last evaluated: 2019-06-06. Review status: criteria provided, single submitter. Criteria: ACMG Guidelines, 2015. Collection method: clinical testing. Allele origin: germline.